The following is an entry in ClinVar:

ClinVar aggregate classification (germline): Uncertain significance (1 of 4 stars; one submission).

Conditions:
Cardiovascular phenotype. Identifiers: MedGen CN230736.

gnomAD v4.1: 1 of 1,549,970 alleles (0.000065%); highest among the groups gnomAD compares: African/African-American, 0.0014%; no homozygotes.

Submission:

Ambry Genetics
Classification: Uncertain significance for Cardiovascular phenotype. Last evaluated: 2023-01-13. Review status: criteria provided, single submitter. Criteria: Ambry Variant Classification Scheme 2023. Collection method: clinical testing. Allele origin: germline.
Comment: The p.A3588T variant (also known as c.10762G>A), located in coding exon 2 of the ZNF469 gene, results from a G to A substitution at nucleotide position 10762. The alanine at codon 3588 is replaced by threonine, an amino acid with similar properties. This amino acid position is conserved. In addition, this alteration is predicted to be tolerated by in silico analysis. Since supporting evidence is limited at this time, the clinical significance of this alteration remains unclear.

NM_001367624.2(ZNF469):c.10846G>A (p.Ala3616Thr)

Gene: ZNF469 (zinc finger protein 469; plus strand). Cytogenetic location: 16q24.2.
Variant type: single nucleotide variant.
Coding change: c.10846G>A on transcript NM_001367624.2 (MANE Select); coding-DNA position 10846, G replaced by A.
Protein change: p.Ala3616Thr; replaces alanine 3616 with threonine.
Molecular consequence: missense variant.
Genome position (GRCh38, 1-based): chr16:88,438,316, G>A. VCF-style: chr16-88438316-G-A. GRCh37 (hg19) VCF-style: chr16-88504724-G-A.
Other names: NM_001127464.1:c.10762G>A; short protein forms A3616T.
Identifiers: ClinVar variation 2449480 (VCV002449480.2), dbSNP rs1397481184, ClinGen allele CA397128204.